The following is an entry in ClinVar:

NM_014244.5(ADAMTS2):c.2892C>T (p.Pro964=)

Gene: ADAMTS2 (ADAM metallopeptidase with thrombospondin type 1 motif 2; minus strand). Cytogenetic location: 5q35.3.
Variant type: single nucleotide variant.
Coding change: c.2892C>T on transcript NM_014244.5 (MANE Select); coding-DNA position 2892, C replaced by T.
Protein change: p.Pro964=; no amino-acid change (proline 964 retained).
Molecular consequence: synonymous variant.
Genome position (GRCh38, 1-based): chr5:179,125,039, G>A on the plus strand (C>T on the coding strand, the complement: ADAMTS2 is on the minus strand). VCF-style: chr5-179125039-G-A. GRCh37 (hg19) VCF-style: chr5-178552040-G-A.
Identifiers: ClinVar variation 514658 (VCV000514658.27), dbSNP rs546361762, ClinGen allele CA3595381.

ClinVar aggregate classification (germline): Conflicting classifications of pathogenicity. Review status: criteria provided, conflicting classifications (1 of 4 stars). 5 submissions from 5 submitters: Uncertain significance (1); Benign (1); Likely benign (3). Last evaluated 2026-01-27.

Conditions:
Ehlers-Danlos syndrome, dermatosparaxis type. Also called: Dermatosparaxis; Ehlers-Danlos syndrome, type VII, autosomal recessive; EDS VIIC. Identifiers: Orphanet 1901, MedGen C2700425, MONDO:0009161, OMIM 225410.

Allele frequency attached by ClinVar (database versions not stated): ExAC 0.00010; gnomAD exomes 0.00011 and 0.00013; gnomAD 0.00044; 1000 Genomes Project 30x 0.00156; 1000 Genomes Project 0.00240.

Submissions (5):

Labcorp Genetics (formerly Invitae), Labcorp
Classification: Likely benign for Ehlers-Danlos syndrome, dermatosparaxis type. Last evaluated: 2026-01-27. Review status: criteria provided, single submitter. Criteria: Invitae Variant Classification Sherloc (09022015). Collection method: clinical testing. Allele origin: germline.

CeGaT Center for Human Genetics Tuebingen
Classification: Likely benign. Last evaluated: 2025-07-01. Review status: criteria provided, single submitter. Criteria: CeGaT Center For Human Genetics Tuebingen Variant Classification Criteria Version 2. Collection method: clinical testing. Allele origin: germline. Affected: yes. Observed: 1 variant allele.
Comment: ADAMTS2: BP4, BP7

Laboratory of Genetics, Children's Clinical University Hospital Latvia
Classification: Benign. Last evaluated: 2025-02-16. Review status: criteria provided, single submitter. Criteria: ACMG Guidelines, 2015. Collection method: clinical testing. Allele origin: germline. Affected: yes.

GeneDx
Classification: Likely benign. Last evaluated: 2020-08-31. Review status: criteria provided, single submitter. Criteria: GeneDx Variant Classification Process June 2021. Collection method: clinical testing. Allele origin: germline. Affected: yes.

Illumina Laboratory Services, Illumina
Classification: Uncertain significance for Ehlers-Danlos syndrome, dermatosparaxis type. Last evaluated: 2018-01-12. Review status: criteria provided, single submitter. Criteria: ICSL Variant Classification Criteria 13 December 2019. Collection method: clinical testing. Allele origin: germline.